The following is an entry in ClinVar:

NM_022114.4(PRDM16):c.2849G>C (p.Arg950Pro)

Gene: PRDM16 (PR/SET domain 16; plus strand). Cytogenetic location: 1p36.32.
Variant type: single nucleotide variant.
Coding change: c.2849G>C on transcript NM_022114.4 (MANE Select); coding-DNA position 2849, G replaced by C.
Protein change: p.Arg950Pro; replaces arginine 950 with proline.
Molecular consequence: missense variant.
Genome position (GRCh38, 1-based): chr1:3,417,985, G>C. VCF-style: chr1-3417985-G-C. GRCh37 (hg19) VCF-style: chr1-3334549-G-C.
Other names: c.2849G>C, p.Arg950Pro (NM_199454.3); short protein forms R950P.
Identifiers: ClinVar variation 1057824 (VCV001057824.9), dbSNP rs755741214, ClinGen allele CA544625.

ClinVar aggregate classification (germline): Uncertain significance (1 of 4 stars; one submission).

Conditions:
Left ventricular noncompaction 8 (LVNC8). Identifiers: Orphanet 154, Orphanet 54260, MedGen C3809288, MONDO:0014152, OMIM 615373.

gnomAD v4.1: 4 of 1,611,886 alleles (0.00025%); highest among the groups gnomAD compares: African/African-American, 0.0053%; no homozygotes.

Submission:

Labcorp Genetics (formerly Invitae), Labcorp
Classification: Uncertain significance for Left ventricular noncompaction 8. Last evaluated: 2020-08-06. Review status: criteria provided, single submitter. Criteria: Invitae Variant Classification Sherloc (09022015). Collection method: clinical testing. Allele origin: germline.
Comment: This variant has not been reported in the literature in individuals with PRDM16-related conditions. This variant is present in population databases (rs755741214, ExAC 0.02%). This sequence change replaces arginine with proline at codon 950 of the PRDM16 protein (p.Arg950Pro). The arginine residue is highly conserved and there is a moderate physicochemical difference between arginine and proline. Algorithms developed to predict the effect of missense changes on protein structure and function are either unavailable or do not agree on the potential impact of this missense change (SIFT: "Deleterious"; PolyPhen-2: "Probably Damaging"; Align-GVGD: "Class C15"). In summary, the available evidence is currently insufficient to determine the role of this variant in disease. Therefore, it has been classified as a Variant of Uncertain Significance.